The following is an entry in ClinVar:

ClinVar aggregate classification (germline): Uncertain significance (1 of 4 stars; one submission).

Conditions:
Familial adenomatous polyposis 1 (FAP1). Also called: POLYPOSIS, ADENOMATOUS INTESTINAL; FAMILIAL ADENOMATOUS POLYPOSIS 1, ATTENUATED. Identifiers: MedGen C2713442, MONDO:0021056, OMIM 175100. Disease mechanism: loss of function.

Submission:

Labcorp Genetics (formerly Invitae), Labcorp
Classification: Uncertain significance for Familial adenomatous polyposis 1. Last evaluated: 2020-10-06. Review status: criteria provided, single submitter. Criteria: Invitae Variant Classification Sherloc (09022015). Collection method: clinical testing. Allele origin: germline.
Comment: Algorithms developed to predict the effect of missense changes on protein structure and function (SIFT, PolyPhen-2, Align-GVGD) all suggest that this variant is likely to be tolerated, but these predictions have not been confirmed by published functional studies and their clinical significance is uncertain. In summary, the available evidence is currently insufficient to determine the role of this variant in disease. Therefore, it has been classified as a Variant of Uncertain Significance. This variant has not been reported in the literature in individuals with APC-related conditions. This sequence change replaces serine with isoleucine at codon 2774 of the APC protein (p.Ser2774Ile). The serine residue is highly conserved and there is a large physicochemical difference between serine and isoleucine. This variant is not present in population databases (ExAC no frequency).

NM_000038.6(APC):c.8321G>T (p.Ser2774Ile)

Gene: APC (APC regulator of Wnt signaling pathway; plus strand). Cytogenetic location: 5q22.2.
Variant type: single nucleotide variant.
Coding change: c.8321G>T on transcript NM_000038.6 (MANE Select); coding-DNA position 8321, G replaced by T.
Protein change: p.Ser2774Ile; replaces serine 2774 with isoleucine.
Molecular consequence: missense variant.
Genome position (GRCh38, 1-based): chr5:112,843,915, G>T. VCF-style: chr5-112843915-G-T. GRCh37 (hg19) VCF-style: chr5-112179612-G-T.
Other names: c.8267G>T, p.Ser2756Ile (NM_001127511.3); c.8321G>T, p.Ser2774Ile (NM_001354895.2, NM_001127510.3); c.8375G>T, p.Ser2792Ile (NM_001354896.2); c.8351G>T, p.Ser2784Ile (NM_001354897.2); c.8246G>T, p.Ser2749Ile (NM_001354898.2); c.8237G>T, p.Ser2746Ile (NM_001354899.2); c.8198G>T, p.Ser2733Ile (NM_001354900.2); c.8144G>T, p.Ser2715Ile (NM_001354901.2); and 5 more; short protein forms S2491I, S2614I, S2648I, S2673I, S2683I, S2715I, S2733I, S2746I.
Identifiers: ClinVar variation 1020056 (VCV001020056.10), dbSNP rs863224553, ClinGen allele CA16039389.